The following is an entry in ClinVar:

ClinVar aggregate classification (germline): Pathogenic (1 of 4 stars; one submission).

Conditions:
Primary ciliary dyskinesia. Also called: Ciliary dyskinesia. Identifiers: Orphanet 244, MedGen C0008780, MONDO:0016575, HP:0012265.

Allele frequency attached by ClinVar (database versions not stated): gnomAD exomes below 0.00001.

Submission:

Labcorp Genetics (formerly Invitae), Labcorp
Classification: Pathogenic for Primary ciliary dyskinesia. Last evaluated: 2025-11-26. Review status: criteria provided, single submitter. Criteria: Invitae Variant Classification Sherloc (09022015). Collection method: clinical testing. Allele origin: germline.
Comment: This sequence change creates a premature translational stop signal (p.Met4465Argfs*7) in the DNAH8 gene. It is expected to result in an absent or disrupted protein product. Loss-of-function variants in DNAH8 are known to be pathogenic (PMID: 24307375, 32619401, 32681648). This variant is not present in population databases (gnomAD no frequency). This variant has not been reported in the literature in individuals affected with DNAH8-related conditions. ClinVar contains an entry for this variant (Variation ID: 2801918). For these reasons, this variant has been classified as Pathogenic.

Literature cited by the submitters: PubMed 24307375; PubMed 32619401; PubMed 32681648.

NM_001206927.2(DNAH8):c.13394del (p.Met4465fs)

Gene: DNAH8 (dynein axonemal heavy chain 8; plus strand). Cytogenetic location: 6p21.2.
Variant type: Deletion.
Coding change: c.13394del on transcript NM_001206927.2 (MANE Select); coding-DNA position 13394, one base deleted (T; older notation c.13394delT).
Protein change: p.Met4465fs; shifts the reading frame from methionine 4465.
Molecular consequence: frameshift variant.
Genome position (GRCh38, 1-based): chr6:39,012,237, T deleted. VCF-style (leftmost placement, unchanged base first): chr6-39012236-AT-A. GRCh37 (hg19) VCF-style: chr6-38980012-AT-A.
Other names: c.12743del, p.Met4248fs (NM_001371.4); short protein forms M4465fs, M4248fs.
Identifiers: ClinVar variation 2801918 (VCV002801918.3), dbSNP rs2534078747, ClinGen allele CA2678606615.
Genomic context (GRCh38, chr6:39,012,236, plus strand): 5'-GAGAAAATCTCCTTTATTGCATTGTTTACTTTGTTTTAGGTGAAATCTCGTTTGATAAAG[AT>A]GGGCCATCTTAATTCAATGAACATATTTCTTAGACAAGAAATTGACAGAATGCAAAGAGT-3'